The following is an entry in ClinVar:

NM_001365999.1(SZT2):c.733A>G (p.Ile245Val)

Gene: SZT2 (SZT2 subunit of KICSTOR complex; plus strand). Cytogenetic location: 1p34.2.
Variant type: single nucleotide variant.
Coding change: c.733A>G on transcript NM_001365999.1 (MANE Select); coding-DNA position 733, A replaced by G.
Protein change: p.Ile245Val; replaces isoleucine 245 with valine.
Molecular consequence: missense variant.
Genome position (GRCh38, 1-based): chr1:43,416,062, A>G. VCF-style: chr1-43416062-A-G. GRCh37 (hg19) VCF-style: chr1-43881733-A-G.
Other names: c.733A>G, p.Ile245Val (NM_015284.4); short protein forms I245V.
Identifiers: ClinVar variation 1936999 (VCV001936999.3), dbSNP rs1385369891, ClinGen allele CA340002498.

ClinVar aggregate classification (germline): Uncertain significance (1 of 4 stars; one submission).

Allele frequency attached by ClinVar (database versions not stated): gnomAD exomes below 0.00001; TOPMed below 0.00001; gnomAD 0.00001.
gnomAD v4.1: 4 of 1,598,272 alleles (0.00025%); highest among the groups gnomAD compares: Non-Finnish European, 0.00017%; no homozygotes.

Submission:

Labcorp Genetics (formerly Invitae), Labcorp
Classification: Uncertain significance. Last evaluated: 2022-05-06. Review status: criteria provided, single submitter. Criteria: Invitae Variant Classification Sherloc (09022015). Collection method: clinical testing. Allele origin: germline.
Comment: In summary, the available evidence is currently insufficient to determine the role of this variant in disease. Therefore, it has been classified as a Variant of Uncertain Significance. Algorithms developed to predict the effect of missense changes on protein structure and function (SIFT, PolyPhen-2, Align-GVGD) all suggest that this variant is likely to be tolerated. This variant has not been reported in the literature in individuals affected with SZT2-related conditions. This variant is not present in population databases (gnomAD no frequency). This sequence change replaces isoleucine, which is neutral and non-polar, with valine, which is neutral and non-polar, at codon 245 of the SZT2 protein (p.Ile245Val).